The following is an entry in ClinVar:

NM_001142864.4(PIEZO1):c.5006_5010dup (p.Leu1673fs)

Gene: PIEZO1 (piezo type mechanosensitive ion channel component 1 (Er blood group); minus strand). Cytogenetic location: 16q24.3.
Variant type: Duplication.
Coding change: c.5006_5010dup on transcript NM_001142864.4 (MANE Select); coding-DNA positions 5006 to 5010, 5 bases duplicated (AGGGC; older notation c.5006_5010dupAGGGC).
Protein change: p.Leu1673fs; shifts the reading frame from leucine 1673.
Molecular consequence: frameshift variant.
Genome position (GRCh38, 1-based): chr16:88,722,012-88,722,016, GCCCT duplicated on the plus strand (AGGGC on the coding strand, the reverse complement: PIEZO1 is on the minus strand); duplicating any 5 consecutive bases within chr16:88,722,012-88,722,020 gives the same sequence; the c. name uses the placement nearest the transcript's 3' end. VCF-style (leftmost placement, unchanged base first): chr16-88722011-G-GGCCCT. GRCh37 (hg19) VCF-style: chr16-88788419-G-GGCCCT.
Other names: short protein forms L1673fs.
Identifiers: ClinVar variation 3342620 (VCV003342620.1).
Genomic context (GRCh38, chr16:88,722,011, plus strand): 5'-AGAGCAGCTCCGAGTGGGCGGCCACACACTGGTACACGGCCCGCAGCAGCCGCAGCGCCC[G>GGCCCT]GCCCTGCCCCTCCGCAAACAGCTCTGCCTCCTCCAGCTCTGGGATGCGCAGGCGCCTACA-3'

ClinVar aggregate classification (germline): Pathogenic (1 of 4 stars; one submission).

Submission:

GeneDx
Classification: Pathogenic. Last evaluated: 2023-08-23. Review status: criteria provided, single submitter. Criteria: GeneDx Variant Classification Process June 2021. Collection method: clinical testing. Allele origin: germline. Affected: yes.
Comment: Reported in one individual from a case control study evaluating a possible association between PIEZO1 variants and varicose veins, but no further clinical information was provided and it is unclear if this individual has varicose veins or is from the control group (Smelser et al., 2022); Frameshift variant predicted to result in protein truncation or nonsense mediated decay in a gene for which loss of function is a known mechanism of disease; Not observed at significant frequency in large population cohorts (gnomAD); This variant is associated with the following publications: (PMID: 34358671)